The following is an entry in ClinVar:

ClinVar aggregate classification (germline): Likely benign (1 of 4 stars; one submission).

gnomAD v4.1: 7 of 1,614,008 alleles (0.00043%); highest among the groups gnomAD compares: Non-Finnish European, 0.00042%; no homozygotes.

Submission:

Women's Health and Genetics/Laboratory Corporation of America, LabCorp
Classification: Likely benign. Last evaluated: 2025-05-02. Review status: criteria provided, single submitter. Criteria: LabCorp Variant Classification Summary - May 2015. Collection method: clinical testing. Allele origin: germline.
Comment: Variant summary: LRSAM1 c.498G>T results in a synonymous change. Consensus agreement among computation tools predict no significant impact on normal splicing. However, these predictions have yet to be confirmed by functional studies. The variant allele was found at a frequency of 2e-05 in 251472 control chromosomes in the gnomAD database, including 1 homozygotes. The available data on variant occurrences in the general population are insufficient to allow any conclusion about variant significance. To our knowledge, no occurrence of c.498G>T in individuals affected with Charcot-Marie-Tooth disease axonal type 2P-AR and no experimental evidence demonstrating its impact on protein function have been reported. No submitters have cited clinical-significance assessments for this variant to ClinVar. Based on the evidence outlined above, the variant was classified as likely benign.

NM_001005373.4(LRSAM1):c.498G>T (p.Pro166=)

Gene: LRSAM1 (leucine rich repeat and sterile alpha motif containing 1; plus strand). Cytogenetic location: 9q33.3.
Variant type: single nucleotide variant.
Coding change: c.498G>T on transcript NM_001005373.4 (MANE Select); coding-DNA position 498, G replaced by T.
Protein change: p.Pro166=; no amino-acid change (proline 166 retained).
Molecular consequence: synonymous variant. On other transcripts: 5 prime UTR variant (1), non-coding transcript variant (2).
Genome position (GRCh38, 1-based): chr9:127,462,343, G>T. VCF-style: chr9-127462343-G-T. GRCh37 (hg19) VCF-style: chr9-130224622-G-T.
Other names: c.498G>T, p.Pro166= (NM_001005374.4, NM_001190723.3, NM_001384142.1 and 2 more transcripts); c.-287G>T (NM_001384144.1).
Identifiers: ClinVar variation 3902557 (VCV003902557.1).